The following is an entry in ClinVar:

NM_001165963.4(SCN1A):c.5639G>A (p.Gly1880Glu)

Genes: SCN1A (sodium voltage-gated channel alpha subunit 1; minus strand), LOC102724058 (uncharacterized LOC102724058; plus strand). Cytogenetic location: 2q24.3.
Variant type: single nucleotide variant.
Coding change: c.5639G>A on transcript NM_001165963.4 (MANE Select); coding-DNA position 5639, G replaced by A.
Protein change: p.Gly1880Glu; replaces glycine 1880 with glutamic acid.
Molecular consequence: missense variant. On other transcripts: non-coding transcript variant (1).
Genome position (GRCh38, 1-based): chr2:165,991,636, C>T on the plus strand (G>A on the coding strand, the complement: SCN1A is on the minus strand). VCF-style: chr2-165991636-C-T. GRCh37 (hg19) VCF-style: chr2-166848146-C-T.
Other names: p.G1880E:GGA>GAA; c.5555G>A, p.Gly1852Glu (NM_001165964.3, NM_001353957.2, NM_001353958.2); c.5639G>A, p.Gly1880Glu (NM_001202435.3, NM_001353948.2); c.5606G>A, p.Gly1869Glu (NM_001353949.2, NM_001353950.2, NM_001353951.2 and 2 more transcripts); c.5603G>A, p.Gly1868Glu (NM_001353954.2, NM_001353955.2); c.5552G>A, p.Gly1851Glu (NM_001353960.2); c.3197G>A, p.Gly1066Glu (NM_001353961.2); short protein forms G1869E, G1880E, G1066E, G1868E, G1851E, G1852E.
Identifiers: ClinVar variation 206875 (VCV000206875.65), dbSNP rs201905405, ClinGen allele CA317645.

ClinVar aggregate classification (germline): Conflicting classifications of pathogenicity. Review status: criteria provided, conflicting classifications (1 of 4 stars). 9 submissions from 8 submitters: Uncertain significance (4); Likely benign (5). Last evaluated 2026-06-01.

Conditions:
Early-infantile DEE. Also called: Ohtahara syndrome; Early infantile epileptic encephalopathy; Early infantile epileptic encephalopathy with suppression bursts. Identifiers: Orphanet 1934, MedGen C0393706, MONDO:0800491.
Migraine, familial hemiplegic, 3. Identifiers: Orphanet 569, MedGen C1864987, MONDO:0012320, OMIM 609634.
Generalized epilepsy with febrile seizures plus, type 2 (GEFSP2). Also called: GEFS+, TYPE 2. Identifiers: Orphanet 36387, MedGen C1858673, MONDO:0011461, OMIM 604403.
Inborn genetic diseases. Identifiers: MedGen C0950123, MeSH D030342.

Allele frequency attached by ClinVar (database versions not stated): ExAC 0.00007; gnomAD exomes 0.00007; gnomAD 0.00011; TOPMed 0.00012; ESP Exome Variant Server 0.00023.
gnomAD v4.1: 300 of 1,613,784 alleles (0.019%); highest among the groups gnomAD compares: Non-Finnish European, 0.024%; no homozygotes.

Submissions (9):

CeGaT Center for Human Genetics Tuebingen
Classification: Likely benign. Last evaluated: 2026-06-01. Review status: criteria provided, single submitter. Criteria: CeGaT Center For Human Genetics Tuebingen Variant Classification Criteria Version 2. Collection method: clinical testing. Allele origin: germline. Affected: yes. Observed: 5 variant alleles.
Comment: SCN1A: PP3, BS1

Labcorp Genetics (formerly Invitae), Labcorp
Classification: Likely benign for Early-infantile DEE. Last evaluated: 2026-01-26. Review status: criteria provided, single submitter. Criteria: Invitae Variant Classification Sherloc (09022015). Collection method: clinical testing. Allele origin: germline.

Centre of Medical Genetics, University Hospital Muenster
Classification: Uncertain significance. Last evaluated: 2022-12-05. Review status: criteria provided, single submitter. Criteria: ACMG Guidelines, 2015. Collection method: clinical testing. Allele origin: unknown. Affected: yes. Observed: 1 variant allele, 1 heterozygote.
Comment: ACMG categories: PM2,PP3,BP1

Ambry Genetics
Classification: Likely benign for Inborn genetic diseases. Last evaluated: 2020-03-25. Review status: criteria provided, single submitter. Criteria: Ambry Variant Classification Scheme 2023. Collection method: clinical testing. Allele origin: germline.

GeneDx
Classification: Likely benign. Last evaluated: 2020-03-10. Review status: criteria provided, single submitter. Criteria: GeneDx Variant Classification Process June 2021. Collection method: clinical testing. Allele origin: germline. Affected: yes.
Comment: This variant is associated with the following publications: (PMID: 32090326, 23884151, 26501104, 21248271, 27231140, 21719429)

Athena Diagnostics
Classification: Likely benign. Last evaluated: 2019-12-30. Review status: criteria provided, single submitter. Criteria: Athena Diagnostics Criteria. Collection method: clinical testing. Allele origin: unknown.

Illumina Laboratory Services, Illumina
Classification: Uncertain significance for Migraine, familial hemiplegic, 3. Last evaluated: 2017-04-27. Review status: criteria provided, single submitter. Criteria: ICSL Variant Classification Criteria 13 December 2019. Collection method: clinical testing. Allele origin: germline.

Illumina Laboratory Services, Illumina
Classification: Uncertain significance for Generalized epilepsy with febrile seizures plus, type 2. Last evaluated: 2017-04-27. Review status: criteria provided, single submitter. Criteria: ICSL Variant Classification Criteria 13 December 2019. Collection method: clinical testing. Allele origin: germline.

Eurofins Ntd Llc (ga)
Classification: Uncertain significance. Last evaluated: 2016-04-21. Review status: criteria provided, single submitter. Criteria: EGL Classification Definitions 2015. Collection method: clinical testing. Allele origin: germline. Observed: 2 variant alleles, 2 heterozygotes.

Literature cited by the submitters: PubMed 21248271 (cited by Ambry Genetics and Athena Diagnostics); PubMed 21719429 (cited by Ambry Genetics and Athena Diagnostics); PubMed 23884151 (cited by Ambry Genetics); PubMed 27231140 (cited by Ambry Genetics and Athena Diagnostics); PubMed 29739726 (cited by Ambry Genetics and Athena Diagnostics).